The following is an entry in ClinVar:

NM_020719.3(PRR12):c.5909T>C (p.Leu1970Pro)

Gene: PRR12 (proline rich 12; plus strand). Cytogenetic location: 19q13.33.
Variant type: single nucleotide variant.
Coding change: c.5909T>C on transcript NM_020719.3 (MANE Select); coding-DNA position 5909, T replaced by C.
Protein change: p.Leu1970Pro; replaces leucine 1970 with proline.
Molecular consequence: missense variant.
Genome position (GRCh38, 1-based): chr19:49,625,145, T>C. VCF-style: chr19-49625145-T-C. GRCh37 (hg19) VCF-style: chr19-50128402-T-C.
Other names: c.5909T>C (NM_020719.2); short protein forms L1970P.
Identifiers: ClinVar variation 1285640 (VCV001285640.6), dbSNP rs2122390232, ClinGen allele CA406842790.

ClinVar aggregate classification (germline): Conflicting classifications of pathogenicity. Review status: criteria provided, conflicting classifications (1 of 4 stars). 3 submissions from 3 submitters: Likely pathogenic (1); Uncertain significance (1). 1 of the submissions does not count toward it. Last evaluated 2023-07-17.

Conditions:
Neuroocular syndrome 1 (NOC1). Identifiers: Orphanet 659904, MedGen C5925133, MONDO:0971007, OMIM 619539.
Neuroocular syndrome. Identifiers: MedGen C5551362, MONDO:0859193.

Submissions (3):

Victorian Clinical Genetics Services, Murdoch Childrens Research Institute
Classification: Uncertain significance for Neuroocular syndrome 1. Last evaluated: 2023-07-17. Review status: criteria provided, single submitter. Criteria: ACMG Guidelines, 2015. Collection method: clinical testing. Allele origin: germline. Inheritance: Autosomal dominant inheritance. Affected: yes.
Comment: Based on the classification scheme VCGS_Germline_v1.3.4, this variant is classified as VUS-3A. Following criteria are met: 0102 - Loss of function is a known mechanism of disease in this gene and is associated with neuroocular syndrome (MIM#619539). (I) 0107 - This gene is associated with autosomal dominant disease. (I) 0200 - Variant is predicted to result in a missense amino acid change from leucine to proline. (I) 0251 - This variant is heterozygous. (I) 0301 - Variant is absent from gnomAD (both v2 and v3). (SP) 0501 - Missense variant consistently predicted to be damaging by multiple in silico tools or highly conserved with a major amino acid change. (SP) 0604 - Variant is not located in an established domain, motif, hotspot or informative constraint region. (I) 0705 - No comparable missense variants have previous evidence for pathogenicity. (I) 0807 - This variant has no previous evidence of pathogenicity. (I) 0905 - No published segregation evidence has been identified for this variant. (I) 1007 - No published functional evidence has been identified for this variant. (SP) Legend: (SP) - Supporting pathogenic, (I) - Information, (SB) - Supporting benign

SIB Swiss Institute of Bioinformatics
Classification: Likely pathogenic for Neuroocular syndrome 1. Last evaluated: 2022-03-18. Review status: criteria provided, single submitter. Criteria: ACMG Guidelines, 2015. Collection method: curation. Allele origin: unknown.
Comment: This variant is interpreted as likely pathogenic for Neuroocular syndrome, autosomal dominant. The following ACMG Tag(s) were applied: Absent from controls (or at extremely low frequency if recessive) in Exome Sequencing Project, 1000 Genomes Project, or Exome Aggregation Consortium (PM2); De novo with paternity and maternity confirmed (PS2); Multiple lines of computational evidence support a deleterious effect on the gene or gene product (PP3).

OMIM
Classification: Pathogenic for NEUROOCULAR SYNDROME 1. Last evaluated: 2024-04-30. Review status: no assertion criteria provided. Collection method: literature only. Allele origin: germline. Not counted in ClinVar's aggregate classification.

Literature cited by the submitters: PubMed 33824499 (cited by SIB Swiss Institute of Bioinformatics and OMIM).